The following is an entry in ClinVar:

ClinVar aggregate classification (germline): Uncertain significance (1 of 4 stars; one submission).

Allele frequency attached by ClinVar (database versions not stated): gnomAD 0.00018; 1000 Genomes Project 0.00020; TOPMed 0.00020; 1000 Genomes Project 30x 0.00016; ExAC 0.00023; ESP Exome Variant Server 0.00024; gnomAD exomes 0.00043.
gnomAD v4.1: 650 of 1,614,150 alleles (0.04%); highest among the groups gnomAD compares: Non-Finnish European, 0.052%; no homozygotes.

Submission:

Labcorp Genetics (formerly Invitae), Labcorp
Classification: Uncertain significance. Last evaluated: 2024-12-02. Review status: criteria provided, single submitter. Criteria: Invitae Variant Classification Sherloc (09022015). Collection method: clinical testing. Allele origin: germline.
Comment: This sequence change replaces glycine, which is neutral and non-polar, with arginine, which is basic and polar, at codon 814 of the LRRK1 protein (p.Gly814Arg). This variant is present in population databases (rs200114885, gnomAD 0.03%). This variant has not been reported in the literature in individuals affected with LRRK1-related conditions. ClinVar contains an entry for this variant (Variation ID: 2046295). An algorithm developed to predict the effect of missense changes on protein structure and function (PolyPhen-2) suggests that this variant is likely to be disruptive. In summary, the available evidence is currently insufficient to determine the role of this variant in disease. Therefore, it has been classified as a Variant of Uncertain Significance.

NM_024652.6(LRRK1):c.2440G>A (p.Gly814Arg)

Genes: LRRK1 (leucine rich repeat kinase 1; plus strand), LOC126862255 (CDK7 strongly-dependent group 2 enhancer GRCh37_chr15:101567313-101568512; plus strand). Cytogenetic location: 15q26.3.
Variant type: single nucleotide variant.
Coding change: c.2440G>A on transcript NM_024652.6 (MANE Select); coding-DNA position 2440, G replaced by A.
Protein change: p.Gly814Arg; replaces glycine 814 with arginine.
Molecular consequence: missense variant.
Genome position (GRCh38, 1-based): chr15:101,027,295, G>A. VCF-style: chr15-101027295-G-A. GRCh37 (hg19) VCF-style: chr15-101567500-G-A.
Other names: short protein forms G814R.
Identifiers: ClinVar variation 2046295 (VCV002046295.2), dbSNP rs200114885, ClinGen allele CA7761240.